The following is an entry in ClinVar:

NM_178857.6(RP1L1):c.661G>C (p.Gly221Arg)

Gene: RP1L1 (RP1 like 1). Cytogenetic location: 8p23.1.
Variant type: single nucleotide variant.
Coding change: c.661G>C on transcript NM_178857.6 (MANE Select); coding-DNA position 661, G replaced by C.
Protein change: p.Gly221Arg; replaces glycine 221 with arginine.
Molecular consequence: missense variant.
Genome position (GRCh38, 1-based): chr8:10,616,536, C>G on the plus strand (G>C on the coding strand, the complement: RP1L1 is on the minus strand). VCF-style: chr8-10616536-C-G. GRCh37 (hg19) VCF-style: chr8-10474046-C-G.
Other names: short protein forms G221R.
Identifiers: ClinVar variation 2085565 (VCV002085565.5), dbSNP rs767095509, ClinGen allele CA4625518.
Genomic context (GRCh38, chr8:10,616,536, plus strand): 5'-AAGTTTCAGCCTCGCTTCTCCTGGCATTTTTCATGGCTGGGGTTCTGAAGGCCTCATGCC[C>G]GGCACACACCAGCACAGAGGGGCTGTGCAGCAGGGCCTGCAGCGAGTCCACCTGAGGGAG-3'
Protein context (NP_849188.4, residues 211-231): LHSPSVLVCA[Gly221Arg]HEAFRTPAMK

ClinVar aggregate classification (germline): Uncertain significance. Review status: criteria provided, multiple submitters, no conflicts (2 of 4 stars). 2 submissions from 2 submitters: Uncertain significance (2). Last evaluated 2024-02-14.

Submissions (2):

Labcorp Genetics (formerly Invitae), Labcorp
Classification: Uncertain significance. Last evaluated: 2024-02-14. Review status: criteria provided, single submitter. Criteria: Invitae Variant Classification Sherloc (09022015). Collection method: clinical testing. Allele origin: germline.
Comment: This sequence change replaces glycine, which is neutral and non-polar, with arginine, which is basic and polar, at codon 221 of the RP1L1 protein (p.Gly221Arg). This variant is present in population databases (rs767095509, gnomAD 0.007%). This missense change has been observed in individual(s) with occult macular dystrophy (PMID: 27623337). ClinVar contains an entry for this variant (Variation ID: 2085565). Advanced modeling of protein sequence and biophysical properties (such as structural, functional, and spatial information, amino acid conservation, physicochemical variation, residue mobility, and thermodynamic stability) performed at Invitae indicates that this missense variant is not expected to disrupt RP1L1 protein function with a negative predictive value of 80%. In summary, the available evidence is currently insufficient to determine the role of this variant in disease. Therefore, it has been classified as a Variant of Uncertain Significance.

Blueprint Genetics
Classification: Uncertain significance. Last evaluated: 2024-02-09. Review status: criteria provided, single submitter. Criteria: ACMG Guidelines, 2015. Collection method: clinical testing. Allele origin: germline.

Literature cited by the submitters: PubMed 27623337 (cited by Labcorp Genetics (formerly Invitae), Labcorp).